The following is an entry in ClinVar:

NM_024408.4(NOTCH2):c.2981+3G>A

Gene: NOTCH2 (notch receptor 2; minus strand). Cytogenetic location: 1p12.
Variant type: single nucleotide variant.
Coding change: c.2981+3G>A on transcript NM_024408.4 (MANE Select); 3 bases into the intron after coding-DNA position 2981, G replaced by A.
Molecular consequence: intron variant.
Genome position (GRCh38, 1-based): chr1:119,941,523, C>T on the plus strand (G>A on the coding strand, the complement: NOTCH2 is on the minus strand). VCF-style: chr1-119941523-C-T. GRCh37 (hg19) VCF-style: chr1-120484146-C-T.
Other names: c.2981+3G>A (NM_001200001.2).
Identifiers: ClinVar variation 2100361 (VCV002100361.4), dbSNP rs2526205737, ClinGen allele CA2580060927.

ClinVar aggregate classification (germline): Uncertain significance (1 of 4 stars; one submission).

Conditions:
Hajdu-Cheney syndrome (HJCYS). Also called: Acroosteolysis dominant type; ACROOSTEOLYSIS WITH OSTEOPOROSIS AND CHANGES IN SKULL AND MANDIBLE; SERPENTINE FIBULA-POLYCYSTIC KIDNEY SYNDROME. Identifiers: Orphanet 955, MedGen C0917715, MONDO:0007057, OMIM 102500.

Allele frequency attached by ClinVar (database versions not stated): gnomAD exomes below 0.00001.
gnomAD v4.1: 1 of 1,606,602 alleles (0.000062%); highest among the groups gnomAD compares: Non-Finnish European, 0.000085%; no homozygotes.

Submission:

Labcorp Genetics (formerly Invitae), Labcorp
Classification: Uncertain significance for Hajdu-Cheney syndrome. Last evaluated: 2025-01-13. Review status: criteria provided, single submitter. Criteria: Invitae Variant Classification Sherloc (09022015). Collection method: clinical testing. Allele origin: germline.
Comment: This sequence change falls in intron 18 of the NOTCH2 gene. It does not directly change the encoded amino acid sequence of the NOTCH2 protein. It affects a nucleotide within the consensus splice site. This variant is not present in population databases (gnomAD no frequency). This variant has not been reported in the literature in individuals affected with NOTCH2-related conditions. ClinVar contains an entry for this variant (Variation ID: 2100361). Variants that disrupt the consensus splice site are a relatively common cause of aberrant splicing (PMID: 17576681, 9536098). Algorithms developed to predict the effect of sequence changes on RNA splicing suggest that this variant is not likely to affect RNA splicing. In summary, the available evidence is currently insufficient to determine the role of this variant in disease. Therefore, it has been classified as a Variant of Uncertain Significance.

Literature cited by the submitters: PubMed 17576681; PubMed 9536098.